The following is an entry in ClinVar:

ClinVar aggregate classification (germline): Benign. Review status: criteria provided, multiple submitters, no conflicts (2 of 4 stars). 23 submissions from 14 submitters: Benign (19). 4 of the submissions do not count toward it. Last evaluated 2026-02-04.

Conditions:
Vitelliform macular dystrophy 3 (VMD3). Also called: PRPH2 vitelliform macular dystrophy; vitelliform macular dystrophy caused by mutation in PRPH2. Identifiers: MedGen CN295869, MONDO:0024561, OMIM 608161.
PRPH2-related disorder. Also called: PRPH2-related disorders; PRPH2-related condition. Identifiers: MedGen CN239395.
Retinal dystrophy. Also called: Inherited retinal dystrophy. Identifiers: Orphanet 71862, MedGen C0854723, MeSH D058499, MONDO:0019118, HP:0000556.
Patterned macular dystrophy 1. Also called: BUTTERFLY DYSTROPHY OF RETINAL PIGMENT EPITHELIUM; MACULAR DYSTROPHY, BUTTERFLY-SHAPED PIGMENTARY. Identifiers: Orphanet 99001, MedGen C4551999, MONDO:0008210, OMIM 169150.
Retinitis pigmentosa (RP). Identifiers: Orphanet 791, MedGen C0035334, MeSH D012174, MONDO:0019200, OMIM 268000. Inheritance: Autosomal dominant, autosomal recessive and X linked inheritance.
Pigmentary retinal dystrophy. Also called: Fundus albipunctatus. Identifiers: Orphanet 227796, Orphanet 52427, MedGen C0311338, MONDO:0007639, OMIM 136880, HP:0030642.
Retinitis pigmentosa 7 (RP7). Identifiers: Orphanet 791, MedGen C1842475, MONDO:0011974, OMIM 608133.
Choroidal dystrophy, central areolar 2 (CACD2). Also called: Choriodal Dystrophy, Central Areolar 2; MACULAR DYSTROPHY, PROGRESSIVE. Identifiers: Orphanet 75377, MedGen C2751290, MONDO:0013137, OMIM 613105.
Cone-rod dystrophy. Also called: Cone/cone-rod dystrophy; Cone-rod degeneration. Identifiers: Orphanet 1872, MedGen C4085590, MONDO:0015993, HP:0000548.
Adult-onset foveomacular vitelliform dystrophy. Also called: FOVEOMACULAR DYSTROPHY, ADULT-ONSET, WITH OR WITHOUT CHOROIDAL NEOVASCULARIZATION; Adult onset vitelliform dystrophy; FOVEOMACULAR DYSTROPHY, ADULT-ONSET. Identifiers: Orphanet 99000, MedGen C1842914, MONDO:0011979.

Allele frequency attached by ClinVar (database versions not stated): gnomAD exomes 0.90276 and 0.91234; TOPMed 0.93281; 1000 Genomes Project 0.94129; gnomAD 0.92861 and 0.92671; 1000 Genomes Project 30x 0.94129; ExAC 0.91168; ESP Exome Variant Server 0.93072.
gnomAD v4.1: 1,461,002 of 1,614,118 alleles (91%); highest among the groups gnomAD compares: East Asian, 100%; 662,152 homozygotes.

Submissions (23):

Labcorp Genetics (formerly Invitae), Labcorp
Classification: Benign for PRPH2-related disorder. Last evaluated: 2026-02-04. Review status: criteria provided, single submitter. Criteria: Invitae Variant Classification Sherloc (09022015). Collection method: clinical testing. Allele origin: germline.

Blueprint Genetics
Classification: Benign. Last evaluated: 2024-11-27. Review status: criteria provided, single submitter. Criteria: ACMG Guidelines, 2015. Collection method: clinical testing. Allele origin: germline.

ARUP Laboratories, Molecular Genetics and Genomics, ARUP Laboratories
Classification: Benign. Last evaluated: 2023-11-22. Review status: criteria provided, single submitter. Criteria: ARUP Molecular Germline Variant Investigation Process 2024. Collection method: clinical testing. Allele origin: germline.

Dept Of Ophthalmology, Nagoya University
Classification: Benign for Retinal dystrophy. Last evaluated: 2023-10-01. Review status: criteria provided, single submitter. Criteria: Submitter's publication. Collection method: research. Allele origin: germline. Affected: yes.

Genome-Nilou Lab
Classification: Benign for Choroidal dystrophy, central areolar 2. Last evaluated: 2021-10-25. Review status: criteria provided, single submitter. Criteria: ACMG Guidelines, 2015. Collection method: clinical testing. Allele origin: germline. Affected: no.

Genome-Nilou Lab
Classification: Benign for Retinitis pigmentosa 7. Last evaluated: 2021-10-25. Review status: criteria provided, single submitter. Criteria: ACMG Guidelines, 2015. Collection method: clinical testing. Allele origin: germline. Affected: no.

Genome-Nilou Lab
Classification: Benign for Patterned macular dystrophy 1. Last evaluated: 2021-10-25. Review status: criteria provided, single submitter. Criteria: ACMG Guidelines, 2015. Collection method: clinical testing. Allele origin: germline. Affected: no.

Genome-Nilou Lab
Classification: Benign for Vitelliform macular dystrophy 3. Last evaluated: 2021-10-25. Review status: criteria provided, single submitter. Criteria: ACMG Guidelines, 2015. Collection method: clinical testing. Allele origin: germline. Affected: no.

Genome-Nilou Lab
Classification: Benign for Pigmentary retinal dystrophy. Last evaluated: 2021-10-25. Review status: criteria provided, single submitter. Criteria: ACMG Guidelines, 2015. Collection method: clinical testing. Allele origin: germline. Affected: no.

Mendelics
Classification: Benign for Patterned macular dystrophy 1. Last evaluated: 2019-05-28. Review status: criteria provided, single submitter. Criteria: Mendelics Assertion Criteria 2017. Collection method: clinical testing. Allele origin: unknown.

Illumina Laboratory Services, Illumina
Classification: Benign for Retinitis pigmentosa. Last evaluated: 2018-01-12. Review status: criteria provided, single submitter. Criteria: ICSL Variant Classification Criteria 13 December 2019. Collection method: clinical testing. Allele origin: germline.
Comment: This variant was observed in the ICSL laboratory as part of a predisposition screen in an ostensibly healthy population. It had not been previously curated by ICSL or reported in the Human Gene Mutation Database (HGMD: prior to June 1st, 2018), and was therefore a candidate for classification through an automated scoring system. Utilizing variant allele frequency, disease prevalence and penetrance estimates, and inheritance mode, an automated score was calculated to assess if this variant is too frequent to cause the disease. Based on the score and internal cut-off values, a variant classified as benign is not then subjected to further curation. The score for this variant resulted in a classification of benign for this disease.

Illumina Laboratory Services, Illumina
Classification: Benign for Pigmentary retinal dystrophy. Last evaluated: 2018-01-12. Review status: criteria provided, single submitter. Criteria: ICSL Variant Classification Criteria 13 December 2019. Collection method: clinical testing. Allele origin: germline.
Comment: the same text as in the submission from Illumina Laboratory Services, Illumina above.

Illumina Laboratory Services, Illumina
Classification: Benign for Vitelliform macular dystrophy 3. Last evaluated: 2018-01-12. Review status: criteria provided, single submitter. Criteria: ICSL Variant Classification Criteria 13 December 2019. Collection method: clinical testing. Allele origin: germline.
Comment: the same text as in the submission from Illumina Laboratory Services, Illumina above.

Illumina Laboratory Services, Illumina
Classification: Benign for Patterned macular dystrophy 1. Last evaluated: 2018-01-12. Review status: criteria provided, single submitter. Criteria: ICSL Variant Classification Criteria 13 December 2019. Collection method: clinical testing. Allele origin: germline.
Comment: the same text as in the submission from Illumina Laboratory Services, Illumina above.

Illumina Laboratory Services, Illumina
Classification: Benign for Choroidal dystrophy, central areolar 2. Last evaluated: 2018-01-12. Review status: criteria provided, single submitter. Criteria: ICSL Variant Classification Criteria 13 December 2019. Collection method: clinical testing. Allele origin: germline.
Comment: the same text as in the submission from Illumina Laboratory Services, Illumina above.

Illumina Laboratory Services, Illumina
Classification: Benign for Cone-rod dystrophy. Last evaluated: 2018-01-12. Review status: criteria provided, single submitter. Criteria: ICSL Variant Classification Criteria 13 December 2019. Collection method: clinical testing. Allele origin: germline.
Comment: the same text as in the submission from Illumina Laboratory Services, Illumina above.

Eurofins Ntd Llc (ga)
Classification: Benign. Last evaluated: 2014-04-28. Review status: criteria provided, single submitter. Criteria: EGL Classification Definitions 2015. Collection method: clinical testing. Allele origin: germline. Observed: 3 variant alleles, 1 heterozygote, 2 homozygotes.

GeneDx
Classification: Benign. Last evaluated: 2011-06-28. Review status: criteria provided, single submitter. Criteria: GeneDx Variant Classification (06012015). Collection method: clinical testing. Allele origin: germline. Affected: yes.
Comment: This variant is considered likely benign or benign based on one or more of the following criteria: it is a conservative change, it occurs at a poorly conserved position in the protein, it is predicted to be benign by multiple in silico algorithms, and/or has population frequency not consistent with disease.

PreventionGenetics, part of Exact Sciences
Classification: Benign. Review status: criteria provided, single submitter. Criteria: ACMG Guidelines, 2015. Collection method: clinical testing. Allele origin: germline.

Leiden Open Variation Database
Classification: Likely benign. Last evaluated: 2021-03-21. Review status: no assertion criteria provided. Collection method: curation. Allele origin: germline. Affected: yes. Not counted in ClinVar's aggregate classification.
Comment: Curator: Global Variome, with Curator vacancy. Submitters to LOVD: Julia Lopez, Yoshito Koyanagi.

Clinical Genetics DNA and cytogenetics Diagnostics Lab, Erasmus MC, Erasmus Medical Center
Classification: Benign. Review status: no assertion criteria provided. Collection method: clinical testing. Allele origin: germline. Affected: yes. Study: VKGL Data-share Consensus. Not counted in ClinVar's aggregate classification.

Diagnostic Laboratory, Department of Genetics, University Medical Center Groningen
Classification: Benign. Review status: no assertion criteria provided. Collection method: clinical testing. Allele origin: germline. Affected: yes. Study: VKGL Data-share Consensus. Not counted in ClinVar's aggregate classification.

Joint Genome Diagnostic Labs from Nijmegen and Maastricht, Radboudumc and MUMC+
Classification: Benign. Review status: no assertion criteria provided. Collection method: clinical testing. Allele origin: germline. Affected: yes. Study: VKGL Data-share Consensus. Not counted in ClinVar's aggregate classification.

Literature cited by the submitters: PubMed 16885924 (cited by Leiden Open Variation Database); PubMed 31213501 (cited by Leiden Open Variation Database).

NM_000322.5(PRPH2):c.929G>A (p.Arg310Lys)

Gene: PRPH2 (peripherin 2; minus strand). Cytogenetic location: 6p21.1.
Variant type: single nucleotide variant.
Coding change: c.929G>A on transcript NM_000322.5 (MANE Select); coding-DNA position 929, G replaced by A.
Protein change: p.Arg310Lys; replaces arginine 310 with lysine.
Molecular consequence: missense variant.
Genome position (GRCh38, 1-based): chr6:42,698,407, C>T on the plus strand (G>A on the coding strand, the complement: PRPH2 is on the minus strand). VCF-style: chr6-42698407-C-T. GRCh37 (hg19) VCF-style: chr6-42666145-C-T.
Other names: p.R310K:AGG>AAG; short protein forms R310K.
Identifiers: ClinVar variation 138905 (VCV000138905.31), dbSNP rs425876, ClinGen allele CA180349.